The following is an entry in ClinVar:

ClinVar aggregate classification (germline): Conflicting classifications of pathogenicity. Review status: criteria provided, conflicting classifications (1 of 4 stars). 3 submissions from 3 submitters: Uncertain significance (1); Likely benign (2). Last evaluated 2025-12-15.

Conditions:
ALG13-related disorder. Also called: ALG13-related condition.
Developmental and epileptic encephalopathy, 36 (DEE36). Also called: Congenital disorder of glycosylation, type Is; ALG13-CDG; Epileptic encephalopathy, early infantile, 36. Identifiers: Orphanet 324422, MedGen C4317295, MONDO:0010472, OMIM 300884.

Allele frequency attached by ClinVar (database versions not stated): gnomAD 0.00002; gnomAD exomes 0.00003 and 0.00001; TOPMed 0.00003.
gnomAD v4.1: 35 of 1,209,825 alleles (0.0029%); highest among the groups gnomAD compares: Non-Finnish European, 0.0038%; no homozygotes.

Submissions (3):

Labcorp Genetics (formerly Invitae), Labcorp
Classification: Likely benign for Developmental and epileptic encephalopathy, 36. Last evaluated: 2025-12-15. Review status: criteria provided, single submitter. Criteria: Invitae Variant Classification Sherloc (09022015). Collection method: clinical testing. Allele origin: germline.

PreventionGenetics, part of Exact Sciences
Classification: Likely benign for ALG13-related condition. Last evaluated: 2025-08-18. Review status: criteria provided, single submitter. Criteria: ACMG Guidelines, 2015. Collection method: clinical testing. Allele origin: germline.
Comment: This variant is classified as likely benign based on ACMG/AMP sequence variant interpretation guidelines (Richards et al. 2015 PMID: 25741868, with internal and published modifications).

Fulgent Genetics
Classification: Uncertain significance for Developmental and epileptic encephalopathy, 36. Last evaluated: 2021-12-24. Review status: criteria provided, single submitter. Criteria: ACMG Guidelines, 2015. Collection method: clinical testing. Allele origin: unknown.

NM_001099922.3(ALG13):c.1853G>C (p.Ser618Thr)

Gene: ALG13 (ALG13 UDP-N-acetylglucosaminyltransferase subunit; plus strand). Cytogenetic location: Xq23.
Variant type: single nucleotide variant.
Coding change: c.1853G>C on transcript NM_001099922.3 (MANE Select); coding-DNA position 1853, G replaced by C.
Protein change: p.Ser618Thr; replaces serine 618 with threonine.
Molecular consequence: missense variant. On other transcripts: non-coding transcript variant (1).
Genome position (GRCh38, 1-based): chrX:111,726,932, G>C. VCF-style: chrX-111726932-G-C. GRCh37 (hg19) VCF-style: chrX-110970160-G-C.
Other names: c.1541G>C, p.Ser514Thr (NM_001257230.2, NM_001257234.2, NM_001257237.2); c.1619G>C, p.Ser540Thr (NM_001257231.2); c.1853G>C, p.Ser618Thr (NM_001324292.2); c.1367G>C, p.Ser456Thr (NM_001324293.1); c.1853G>C (NM_001099922.2); short protein forms S618T, S514T, S540T, S456T.
Identifiers: ClinVar variation 573058 (VCV000573058.11), dbSNP rs1194966893, ClinGen allele CA414252689.